The following is an entry in ClinVar:

NM_006180.6(NTRK2):c.1870G>C (p.Val624Leu)

Gene: NTRK2 (neurotrophic receptor tyrosine kinase 2; plus strand). Cytogenetic location: 9q21.33.
Variant type: single nucleotide variant.
Coding change: c.1870G>C on transcript NM_006180.6 (MANE Select); coding-DNA position 1870, G replaced by C.
Protein change: p.Val624Leu; replaces valine 624 with leucine.
Molecular consequence: missense variant.
Genome position (GRCh38, 1-based): chr9:84,948,567, G>C. VCF-style: chr9-84948567-G-C. GRCh37 (hg19) VCF-style: chr9-87563482-G-C.
Other names: c.1870G>C (NM_006180.3, NM_006180.4); c.1822G>C, p.Val608Leu (NM_001018064.3, NM_001369532.1, NM_001369533.1); c.1786G>C, p.Val596Leu (NM_001369534.1); c.1354G>C, p.Val452Leu (NM_001369535.1); c.1402G>C, p.Val468Leu (NM_001369536.1); c.1870G>C, p.Val624Leu (NM_001381928.1); short protein forms V452L, V468L, V596L, V608L, V624L.
Identifiers: ClinVar variation 2584557 (VCV002584557.6), dbSNP rs1194954580, ClinGen allele CA374009711.
Genomic context (GRCh38, chr9:84,948,567, plus strand): 5'-GAGGCCGAGCTCCTGACCAACCTCCAGCATGAGCACATCGTCAAGTTCTATGGCGTCTGC[G>C]TGGAGGGCGACCCCCTCATCATGGTCTTTGAGTACATGAAGCATGGGGACCTCAACAAGT-3'
Protein context (NP_006171.2, residues 614-634): EHIVKFYGVC[Val624Leu]EGDPLIMVFE

ClinVar aggregate classification (germline): Uncertain significance. Review status: criteria provided, multiple submitters, no conflicts (2 of 4 stars). 4 submissions from 4 submitters: Uncertain significance (3). 1 of the submissions does not count toward it. Last evaluated 2024-06-18.

Conditions:
Obesity, hyperphagia, and developmental delay (OBHD). Identifiers: Orphanet 99704, MedGen C3151303, MONDO:0013483, OMIM 613886.
Developmental and epileptic encephalopathy, 58. Also called: EPILEPTIC ENCEPHALOPATHY, EARLY INFANTILE, 58. Identifiers: MedGen C4693367, MONDO:0033367, OMIM 617830.
NTRK2-related disorder. Also called: NTRK2-related condition.
Inborn genetic diseases. Identifiers: MedGen C0950123, MeSH D030342.

Submissions (4):

Ambry Genetics
Classification: Uncertain significance for Inborn genetic diseases. Last evaluated: 2024-06-18. Review status: criteria provided, single submitter. Criteria: Ambry Variant Classification Scheme 2023. Collection method: clinical testing. Allele origin: germline.

Labcorp Genetics (formerly Invitae), Labcorp
Classification: Uncertain significance. Last evaluated: 2024-05-15. Review status: criteria provided, single submitter. Criteria: Invitae Variant Classification Sherloc (09022015). Collection method: clinical testing. Allele origin: germline.
Comment: This sequence change replaces valine, which is neutral and non-polar, with leucine, which is neutral and non-polar, at codon 624 of the NTRK2 protein (p.Val624Leu). This variant is not present in population databases (gnomAD no frequency). This variant has not been reported in the literature in individuals affected with NTRK2-related conditions. ClinVar contains an entry for this variant (Variation ID: 2584557). Advanced modeling of protein sequence and biophysical properties (such as structural, functional, and spatial information, amino acid conservation, physicochemical variation, residue mobility, and thermodynamic stability) performed at Invitae indicates that this missense variant is not expected to disrupt NTRK2 protein function with a negative predictive value of 80%. In summary, the available evidence is currently insufficient to determine the role of this variant in disease. Therefore, it has been classified as a Variant of Uncertain Significance.

New York Genome Center
Classification: Uncertain significance for Developmental and epileptic encephalopathy, 58; Obesity, hyperphagia, and developmental delay. Last evaluated: 2023-01-09. Review status: criteria provided, single submitter. Criteria: NYGC Assertion Criteria 2020. Collection method: clinical testing. Allele origin: germline. Observed: 1 heterozygote.

PreventionGenetics, part of Exact Sciences
Classification: Uncertain significance for NTRK2-related condition. Last evaluated: 2024-08-23. Review status: no assertion criteria provided. Collection method: clinical testing. Allele origin: germline. Not counted in ClinVar's aggregate classification.
Comment: The NTRK2 c.1870G>C variant is predicted to result in the amino acid substitution p.Val624Leu. To our knowledge, this variant has not been reported in the literature or in a large population database, indicating this variant is rare. At this time, the clinical significance of this variant is uncertain due to the absence of conclusive functional and genetic evidence.